The following is an entry in ClinVar:

ClinVar aggregate classification (germline): Uncertain significance (1 of 4 stars; one submission).

Allele frequency attached by ClinVar (database versions not stated): ExAC 0.00001; gnomAD exomes 0.00001.
gnomAD v4.1: 5 of 1,614,040 alleles (0.00031%); highest among the groups gnomAD compares: Non-Finnish European, 0.000085%; no homozygotes.

Submission:

Ambry Genetics
Classification: Uncertain significance. Last evaluated: 2022-11-21. Review status: criteria provided, single submitter. Criteria: Ambry Variant Classification Scheme 2023. Collection method: clinical testing. Allele origin: germline.
Comment: The c.437A>G (p.Y146C) alteration is located in exon (coding exon ) of the ASIC2 gene. This alteration results from a A to G substitution at nucleotide position 437, causing the tyrosine (Y) at amino acid position 146 to be replaced by a cysteine (C). Based on insufficient or conflicting evidence, the clinical significance of this alteration remains unclear.

NM_001094.5(ASIC2):c.437A>G (p.Tyr146Cys)

Genes: ASIC2 (acid sensing ion channel subunit 2; minus strand), LOC105371735 (uncharacterized LOC105371735; plus strand). Cytogenetic location: 17q12.
Variant type: single nucleotide variant.
Coding change: c.437A>G on transcript NM_001094.5; coding-DNA position 437, A replaced by G.
Protein change: p.Tyr146Cys; replaces tyrosine 146 with cysteine.
Molecular consequence: missense variant. On other transcripts: non-coding transcript variant (1).
Genome position (GRCh38, 1-based): chr17:34,156,096, T>C on the plus strand (A>G on the coding strand, the complement: ASIC2 is on the minus strand). VCF-style: chr17-34156096-T-C. GRCh37 (hg19) VCF-style: chr17-32483115-T-C.
Other names: short protein forms Y146C.
Identifiers: ClinVar variation 2329099 (VCV002329099.2), dbSNP rs766759249, ClinGen allele CA8495296.